The following is an entry in ClinVar:

NM_001127178.3(PIGG):c.1706G>C (p.Ser569Thr)

Gene: PIGG (phosphatidylinositol glycan anchor biosynthesis class G (EMM blood group); plus strand). Cytogenetic location: 4p16.3.
Variant type: single nucleotide variant.
Coding change: c.1706G>C on transcript NM_001127178.3 (MANE Select); coding-DNA position 1706, G replaced by C.
Protein change: p.Ser569Thr; replaces serine 569 with threonine.
Molecular consequence: missense variant. On other transcripts: non-coding transcript variant (7).
Genome position (GRCh38, 1-based): chr4:523,550, G>C. VCF-style: chr4-523550-G-C. GRCh37 (hg19) VCF-style: chr4-517339-G-C.
Other names: c.1439G>C, p.Ser480Thr (NM_001289051.2, NM_001345986.2); c.1307G>C, p.Ser436Thr (NM_001289052.2); c.1415G>C, p.Ser472Thr (NM_001345987.2); c.677G>C, p.Ser226Thr (NM_001345988.2); c.173G>C, p.Ser58Thr (NM_001345990.2, NM_001345991.2); c.608G>C, p.Ser203Thr (NM_001345994.2); c.1682G>C, p.Ser561Thr (NM_017733.5); c.1706G>C (NM_001127178.2); short protein forms S436T, S569T, S203T, S480T, S561T, S58T, S226T, S472T.
Identifiers: ClinVar variation 2178311 (VCV002178311.2), dbSNP rs1288693976, ClinGen allele CA355906781.

ClinVar aggregate classification (germline): Uncertain significance. Review status: criteria provided, multiple submitters, no conflicts (2 of 4 stars). 2 submissions from 2 submitters: Uncertain significance (2). Last evaluated 2026-02-27.

Conditions:
Intellectual disability, autosomal recessive 53 (NEDHSCA). Also called: NEURODEVELOPMENTAL DISORDER WITH OR WITHOUT HYPOTONIA, SEIZURES, AND CEREBELLAR ATROPHY; GLYCOSYLPHOSPHATIDYLINOSITOL BIOSYNTHESIS DEFECT 13; Mental retardation, autosomal recessive 53. Identifiers: Orphanet 488635, MedGen C4310794, MONDO:0014832, OMIM 616917.

Allele frequency attached by ClinVar (database versions not stated): TOPMed below 0.00001; gnomAD 0.00001; gnomAD exomes 0.00001.

Submissions (2):

GeneDx
Classification: Uncertain significance. Last evaluated: 2026-02-27. Review status: criteria provided, single submitter. Criteria: GeneDx Variant Classification Process June 2021. Collection method: clinical testing. Allele origin: germline.
Comment: Not observed at significant frequency in large population cohorts (gnomAD); In silico analysis supports that this missense variant has a deleterious effect on protein structure/function; Has not been previously published as pathogenic or benign to our knowledge

Labcorp Genetics (formerly Invitae), Labcorp
Classification: Uncertain significance for Intellectual disability, autosomal recessive 53. Last evaluated: 2022-04-26. Review status: criteria provided, single submitter. Criteria: Invitae Variant Classification Sherloc (09022015). Collection method: clinical testing. Allele origin: germline.
Comment: This sequence change replaces serine, which is neutral and polar, with threonine, which is neutral and polar, at codon 569 of the PIGG protein (p.Ser569Thr). This variant is present in population databases (no rsID available, gnomAD 0.009%). This variant has not been reported in the literature in individuals affected with PIGG-related conditions. Algorithms developed to predict the effect of missense changes on protein structure and function are either unavailable or do not agree on the potential impact of this missense change (SIFT: "Deleterious"; PolyPhen-2: "Possibly Damaging"; Align-GVGD: "Class C0"). In summary, the available evidence is currently insufficient to determine the role of this variant in disease. Therefore, it has been classified as a Variant of Uncertain Significance.